The following is an entry in ClinVar:

NM_177438.3(DICER1):c.4511G>C (p.Ser1504Thr)

Gene: DICER1 (dicer 1, ribonuclease III; minus strand). Cytogenetic location: 14q32.13.
Variant type: single nucleotide variant.
Coding change: c.4511G>C on transcript NM_177438.3 (MANE Select); coding-DNA position 4511, G replaced by C.
Protein change: p.Ser1504Thr; replaces serine 1504 with threonine.
Molecular consequence: missense variant. On other transcripts: non-coding transcript variant (6).
Genome position (GRCh38, 1-based): chr14:95,096,409, C>G on the plus strand (G>C on the coding strand, the complement: DICER1 is on the minus strand). VCF-style: chr14-95096409-C-G. GRCh37 (hg19) VCF-style: chr14-95562746-C-G.
Other names: c.4511G>C, p.Ser1504Thr (NM_001195573.1, NM_001271282.3, NM_001291628.2 and 12 more transcripts); c.4229G>C, p.Ser1410Thr (NM_001395686.1); c.4106G>C, p.Ser1369Thr (NM_001395687.1, NM_001395688.1, NM_001395689.1 and 2 more transcripts); c.3944G>C, p.Ser1315Thr (NM_001395691.1); c.2828G>C, p.Ser943Thr (NM_001395697.1); short protein forms S1504T, S943T, S1315T, S1410T, S1369T.
Identifiers: ClinVar variation 3839971 (VCV003839971.1).

ClinVar aggregate classification (germline): Uncertain significance (1 of 4 stars; one submission).

Conditions:
Hereditary cancer-predisposing syndrome. Also called: Hereditary neoplastic syndrome; Neoplastic Syndromes, Hereditary; Tumor predisposition; Hereditary Cancer Syndrome. Identifiers: Orphanet 140162, MedGen C0027672, MeSH D009386, MONDO:0015356.

Submission:

Ambry Genetics
Classification: Uncertain significance for Hereditary cancer-predisposing syndrome. Last evaluated: 2024-12-14. Review status: criteria provided, single submitter. Criteria: Ambry Variant Classification Scheme 2023. Collection method: clinical testing. Allele origin: germline.
Comment: The p.S1504T variant (also known as c.4511G>C), located in coding exon 22 of the DICER1 gene, results from a G to C substitution at nucleotide position 4511. The serine at codon 1504 is replaced by threonine, an amino acid with similar properties. This amino acid position is conserved. In addition, the in silico prediction for this alteration is inconclusive. Based on the available evidence, the clinical significance of this variant remains unclear.